The following is an entry in ClinVar:

NM_013339.4(ALG6):c.1414G>A (p.Val472Ile)

Gene: ALG6 (ALG6 alpha-1,3-glucosyltransferase; plus strand). Cytogenetic location: 1p31.3.
Variant type: single nucleotide variant.
Coding change: c.1414G>A on transcript NM_013339.4 (MANE Select); coding-DNA position 1414, G replaced by A.
Protein change: p.Val472Ile; replaces valine 472 with isoleucine.
Molecular consequence: missense variant.
Genome position (GRCh38, 1-based): chr1:63,436,910, G>A. VCF-style: chr1-63436910-G-A. GRCh37 (hg19) VCF-style: chr1-63902581-G-A.
Other names: short protein forms V472I.
Identifiers: ClinVar variation 1468015 (VCV001468015.5), dbSNP rs1644682228, ClinGen allele CA340641761.
Genomic context (GRCh38, chr1:63,436,910, plus strand): 5'-CTTCTGACGTTGATGACTGTCACACTGGATCCTCCTCAGAAACTACCGGACTTGTTTTCT[G>A]TATTGGTGTGTTTTGTATCTTGCTTGAACTTCCTGTTCTTCTTGGTATACTTTAACATTA-3'
Protein context (NP_037471.2, residues 462-482): PPQKLPDLFS[Val472Ile]LVCFVSCLNF

ClinVar aggregate classification (germline): Uncertain significance (1 of 4 stars; one submission).

Conditions:
ALG6-congenital disorder of glycosylation 1C (CDG1C). Also called: CDG Ic; Congenital disorder of glycosylation, type Ic; CARBOHYDRATE-DEFICIENT GLYCOPROTEIN SYNDROME, TYPE I, WITH DEFICIENT GLYCOSYLATION OF DOLICHOL-LINKED OLIGOSACCHARIDE; CARBOHYDRATE-DEFICIENT GLYCOPROTEIN SYNDROME, TYPE V; Congenital disorder of glycosylation type 1C. Identifiers: Orphanet 79320, MedGen C2930997, MONDO:0011291, OMIM 603147.

gnomAD v4.1: 14 of 1,613,798 alleles (0.00087%); highest among the groups gnomAD compares: Non-Finnish European, 0.0012%; no homozygotes.

Submission:

Labcorp Genetics (formerly Invitae), Labcorp
Classification: Uncertain significance for ALG6-congenital disorder of glycosylation 1C. Last evaluated: 2021-09-01. Review status: criteria provided, single submitter. Criteria: Invitae Variant Classification Sherloc (09022015). Collection method: clinical testing. Allele origin: germline.
Comment: This sequence change replaces valine with isoleucine at codon 472 of the ALG6 protein (p.Val472Ile). The valine residue is moderately conserved and there is a small physicochemical difference between valine and isoleucine. This variant is not present in population databases (ExAC no frequency). This variant has not been reported in the literature in individuals affected with ALG6-related conditions. Algorithms developed to predict the effect of missense changes on protein structure and function are either unavailable or do not agree on the potential impact of this missense change (SIFT: "Tolerated"; PolyPhen-2: "Possibly Damaging"; Align-GVGD: "Class C0"). In summary, the available evidence is currently insufficient to determine the role of this variant in disease. Therefore, it has been classified as a Variant of Uncertain Significance.